The following is an entry in ClinVar:

NM_018006.5(TRMU):c.925C>T (p.Arg309Cys)

Gene: TRMU (tRNA mitochondrial 2-thiouridylase; plus strand). Cytogenetic location: 22q13.31.
Variant type: single nucleotide variant.
Coding change: c.925C>T on transcript NM_018006.5 (MANE Select); coding-DNA position 925, C replaced by T.
Protein change: p.Arg309Cys; replaces arginine 309 with cysteine.
Molecular consequence: missense variant. On other transcripts: non-coding transcript variant (2).
Genome position (GRCh38, 1-based): chr22:46,355,495, C>T. VCF-style: chr22-46355495-C-T. GRCh37 (hg19) VCF-style: chr22-46751392-C-T.
Other names: p.R309C:CGC>TGC; p.Arg309Cys; c.583C>T, p.Arg195Cys (NM_001282782.2); c.505C>T, p.Arg169Cys (NM_001282783.2, NM_001282784.2); c.925C>T, p.Arg309Cys (NM_001282785.2); short protein forms R309C, R169C, R195C.
Identifiers: ClinVar variation 215288 (VCV000215288.9), dbSNP rs764958201, ClinGen allele CA320532.

ClinVar aggregate classification (germline): Uncertain significance. Review status: criteria provided, multiple submitters, no conflicts (2 of 4 stars). 6 submissions from 6 submitters: Uncertain significance (5). 1 of the submissions does not count toward it. Last evaluated 2025-01-27.

Conditions:
TRMU-related disorder. Also called: TRMU-related condition.
Inborn genetic diseases. Identifiers: MedGen C0950123, MeSH D030342.
Acute infantile liver failure due to synthesis defect of mtDNA-encoded proteins. Also called: TRMU Deficiency; LIVER FAILURE, INFANTILE, TRANSIENT; Liver failure acute infantile. Identifiers: Orphanet 217371, MedGen C3278664, MONDO:0013111, OMIM 613070.

Allele frequency attached by ClinVar (database versions not stated): gnomAD exomes 0.00007 and 0.00006; ExAC 0.00008; gnomAD 0.00004 and 0.00005; TOPMed 0.00006.
gnomAD v4.1: 104 of 1,613,154 alleles (0.0064%); highest among the groups gnomAD compares: Admixed American, 0.025%; no homozygotes.

Submissions (6):

Mayo Clinic Laboratories, Mayo Clinic
Classification: Uncertain significance. Last evaluated: 2025-01-27. Review status: criteria provided, single submitter. Criteria: ACMG Guidelines, 2015. Collection method: clinical testing. Allele origin: germline. Observed: 2 variant alleles.
Comment: PP3, PM2_supporting

PreventionGenetics, part of Exact Sciences
Classification: Uncertain significance for TRMU-related condition. Last evaluated: 2025-01-27. Review status: criteria provided, single submitter. Criteria: ACMG Guidelines, 2015. Collection method: clinical testing. Allele origin: germline.
Comment: The TRMU c.925C>T variant is predicted to result in the amino acid substitution p.Arg309Cys. To our knowledge, this variant has not been reported in the literature. This variant is reported in 0.028% of alleles in individuals of Latino descent in gnomAD. At this time, the clinical significance of this variant is uncertain due to the absence of conclusive functional and genetic evidence.

Ambry Genetics
Classification: Uncertain significance for Inborn genetic diseases. Last evaluated: 2023-11-27. Review status: criteria provided, single submitter. Criteria: Ambry Variant Classification Scheme 2023. Collection method: clinical testing. Allele origin: germline.

Eurofins Ntd Llc (ga)
Classification: Uncertain significance. Last evaluated: 2018-07-06. Review status: criteria provided, single submitter. Criteria: EGL ClinVar v180209 classification definitions. Collection method: clinical testing. Allele origin: germline. Observed: 1 variant allele, 1 heterozygote.

GeneDx
Classification: Uncertain significance. Last evaluated: 2014-05-19. Review status: criteria provided, single submitter. Criteria: GeneDx Variant Classification (06012015). Collection method: clinical testing. Allele origin: germline. Affected: yes.
Comment: p.Arg309Cys (CGC>TGC): c.925 C>T in exon 9 of the TRMU gene (NM_018006.4). The R309C varian of unknown significance identified in the TRMU gene has not been published as a mutation, nor has it been reported as a benign polymorphism to our knowledge. The R309C variant is a non-conservative amino acid substitution, which is likely to impact secondary protein structure as these residues differ in polarity, charge, size and/or other properties. This substitution occurs at a position that is conserved across species. In silico analysis is inconsistent in its predictions as to whether or not the variant is damaging to the protein structure/function. Therefore, based on the currently available information, it is unclear whether this variant is a pathogenic mutation or a rare benign variant. The variant is found in MITONUC-MITOP panel(s).

Natera, Inc.
Classification: Uncertain significance for Acute infantile liver failure due to synthesis defect of mtDNA-encoded proteins. Last evaluated: 2020-02-18. Review status: no assertion criteria provided. Collection method: clinical testing. Allele origin: germline. Not counted in ClinVar's aggregate classification.